The following is an entry in ClinVar:

ClinVar aggregate classification (germline): Pathogenic. Review status: criteria provided, multiple submitters, no conflicts (2 of 4 stars). 2 submissions from 2 submitters: Pathogenic (2). Last evaluated 2022-06-13.

Conditions:
Developmental and epileptic encephalopathy, 14 (DEE14). Also called: Early infantile epileptic encephalopathy 14. Identifiers: Orphanet 293181, MedGen C3554195, MONDO:0013989, OMIM 614959.
Autosomal dominant nocturnal frontal lobe epilepsy 5. Also called: KCNT1-Related Epilepsy; CILIARY DYSKINESIA, PRIMARY, 28, WITH SITUS INVERSUS; Epilepsy, nocturnal frontal lobe, 5; CILIARY DYSKINESIA, PRIMARY, 28, WITHOUT SITUS INVERSUS. Identifiers: Orphanet 98784, MedGen C3554306, MONDO:0014002, OMIM 615005.

Submissions (2):

Labcorp Genetics (formerly Invitae), Labcorp
Classification: Pathogenic for Autosomal dominant nocturnal frontal lobe epilepsy 5; Developmental and epileptic encephalopathy, 14. Last evaluated: 2022-06-13. Review status: criteria provided, single submitter. Criteria: Invitae Variant Classification Sherloc (09022015). Collection method: clinical testing. Allele origin: germline.
Comment: This variant is not present in population databases (gnomAD no frequency). This sequence change replaces methionine, which is neutral and non-polar, with lysine, which is basic and polar, at codon 896 of the KCNT1 protein (p.Met896Lys). This missense change has been observed in individual(s) with KCNT1-related conditions (PMID: 26993267). In at least one individual the variant was observed to be de novo. For these reasons, this variant has been classified as Pathogenic. This variant disrupts the p.Met896 amino acid residue in KCNT1. Other variant(s) that disrupt this residue have been determined to be pathogenic (Invitae). This suggests that this residue is clinically significant, and that variants that disrupt this residue are likely to be disease-causing. Advanced modeling of protein sequence and biophysical properties (such as structural, functional, and spatial information, amino acid conservation, physicochemical variation, residue mobility, and thermodynamic stability) performed at Invitae indicates that this missense variant is expected to disrupt KCNT1 protein function.

Mendelics
Classification: Pathogenic for Developmental and epileptic encephalopathy, 14. Last evaluated: 2022-05-04. Review status: criteria provided, single submitter. Criteria: Mendelics Assertion Criteria 2019. Collection method: clinical testing. Allele origin: germline.

Literature cited by the submitters: PubMed 26993267 (cited by Labcorp Genetics (formerly Invitae), Labcorp).

NM_020822.3(KCNT1):c.2687T>A (p.Met896Lys)

Gene: KCNT1 (potassium sodium-activated channel subfamily T member 1; plus strand). Cytogenetic location: 9q34.3.
Variant type: single nucleotide variant.
Coding change: c.2687T>A on transcript NM_020822.3 (MANE Select); coding-DNA position 2687, T replaced by A.
Protein change: p.Met896Lys; replaces methionine 896 with lysine.
Molecular consequence: missense variant.
Genome position (GRCh38, 1-based): chr9:135,778,780, T>A. VCF-style: chr9-135778780-T-A. GRCh37 (hg19) VCF-style: chr9-138670626-T-A.
Other names: c.2552T>A, p.Met851Lys (NM_001272003.2); short protein forms M851K, M896K.
Identifiers: ClinVar variation 1457517 (VCV001457517.9), dbSNP rs1060503696, ClinGen allele CA375514692.
Genomic context (GRCh38, chr9:135,778,780, plus strand): 5'-ATGCGGACAACCTGGTGGTGGTGGACAAGGAGAGCACCATGAGCGCCGAGGAGGACTACA[T>A]GGCGGACGCCAAGACCATCGTCAACGTGCAGACCATGTTCCGGTGCGTCCAGTGTCCGGG-3'
Protein context (NP_065873.2, residues 886-906): ESTMSAEEDY[Met896Lys]ADAKTIVNVQ